The following is an entry in ClinVar:

NM_001077415.3(CRELD1):c.800G>C (p.Gly267Ala)

Gene: CRELD1 (cysteine rich with EGF like domains 1; plus strand). Cytogenetic location: 3p25.3.
Variant type: single nucleotide variant.
Coding change: c.800G>C on transcript NM_001077415.3 (MANE Select); coding-DNA position 800, G replaced by C.
Protein change: p.Gly267Ala; replaces glycine 267 with alanine.
Molecular consequence: missense variant. On other transcripts: non-coding transcript variant (3), intron variant (2).
Genome position (GRCh38, 1-based): chr3:9,942,879, G>C. VCF-style: chr3-9942879-G-C. GRCh37 (hg19) VCF-style: chr3-9984563-G-C.
Other names: c.800G>C, p.Gly267Ala (NM_001031717.4, NM_001374316.1, NM_001374317.1 and 3 more transcripts); c.734-198G>C (NM_001374319.1, NM_001374320.1); short protein forms G267A.
Identifiers: ClinVar variation 3369449 (VCV003369449.1).

ClinVar aggregate classification (germline): Uncertain significance (1 of 4 stars; one submission).

gnomAD v4.1: 2 of 1,614,072 alleles (0.00012%); highest among the groups gnomAD compares: Non-Finnish European, 0.00017%; no homozygotes.

Submission:

GeneDx
Classification: Uncertain significance. Last evaluated: 2024-02-22. Review status: criteria provided, single submitter. Criteria: GeneDx Variant Classification Process June 2021. Collection method: clinical testing. Allele origin: germline. Affected: yes.
Comment: Not observed at significant frequency in large population cohorts (gnomAD); In silico analysis supports that this missense variant has a deleterious effect on protein structure/function; Has not been previously published as pathogenic or benign to our knowledge